The following is an entry in ClinVar:

NM_001397.3(ECE1):c.965A>G (p.Glu322Gly)

Gene: ECE1 (endothelin converting enzyme 1; minus strand). Cytogenetic location: 1p36.12.
Variant type: single nucleotide variant.
Coding change: c.965A>G on transcript NM_001397.3 (MANE Select); coding-DNA position 965, A replaced by G.
Protein change: p.Glu322Gly; replaces glutamic acid 322 with glycine.
Molecular consequence: missense variant.
Genome position (GRCh38, 1-based): chr1:21,256,002, T>C on the plus strand (A>G on the coding strand, the complement: ECE1 is on the minus strand). VCF-style: chr1-21256002-T-C. GRCh37 (hg19) VCF-style: chr1-21582495-T-C.
Other names: c.929A>G, p.Glu310Gly (NM_001113347.2); c.917A>G, p.Glu306Gly (NM_001113348.2); c.956A>G, p.Glu319Gly (NM_001113349.2); short protein forms E306G, E319G, E310G, E322G.
Identifiers: ClinVar variation 5005684 (VCV005005684.2).

ClinVar aggregate classification (germline): Uncertain significance (1 of 4 stars; one submission).

Conditions:
Essential hypertension, genetic (EHT). Identifiers: MedGen CN305331, MONDO:0007781, OMIM 145500.
Hirschsprung disease, cardiac defects, and autonomic dysfunction (HCAD). Identifiers: MedGen C3151237, MONDO:0013473, OMIM 613870.

Submission:

Juno Genomics, Hangzhou Juno Genomics, Inc
Classification: Uncertain significance for Hirschsprung disease, cardiac defects, and autonomic dysfunction; Essential hypertension, genetic. Review status: criteria provided, single submitter. Criteria: ACMG Guidelines, 2015. Collection method: clinical testing. Allele origin: germline.
Comment: Absent from controls (or at extremely low frequency if recessive) in Genome Aggregation Database.;Multiple lines of computational evidence support a deleterious effect on the gene or gene product.